The following is an entry in ClinVar:

ClinVar aggregate classification (germline): Uncertain significance. Review status: criteria provided, multiple submitters, no conflicts (2 of 4 stars). 2 submissions from 2 submitters: Uncertain significance (2). Last evaluated 2021-12-21.

Conditions:
Familial juvenile hyperuricemic nephropathy type 1 (ADTKD1). Also called: Autosomal Dominant Tubulointerstitial Kidney Disease – UMOD; UMOD-Associated Kidney Disease; Uromodulin-associated kidney disease; Glomerulocystic kidney disease with hyperuricemia and isosthenuria; Medullary cystic kidney disease 2. Identifiers: Orphanet 209886, Orphanet 34149, Orphanet 88950, MedGen C4551496, MONDO:0008073, OMIM 162000.

gnomAD v4.1: 2 of 1,614,206 alleles (0.00012%); highest among the groups gnomAD compares: Non-Finnish European, 0.00017%; no homozygotes.

Submissions (2):

Fulgent Genetics
Classification: Uncertain significance for Familial juvenile hyperuricemic nephropathy type 1. Last evaluated: 2021-12-21. Review status: criteria provided, single submitter. Criteria: ACMG Guidelines, 2015. Collection method: clinical testing. Allele origin: unknown.

GeneDx
Classification: Uncertain significance. Last evaluated: 2019-10-17. Review status: criteria provided, single submitter. Criteria: GeneDx Variant Classification Process June 2021. Collection method: clinical testing. Allele origin: germline. Affected: yes.
Comment: Not observed in large population cohorts (Lek et al., 2016); In silico analysis, which includes protein predictors and evolutionary conservation, supports a deleterious effect; Has not been previously published as pathogenic or benign to our knowledge

NM_003361.4(UMOD):c.1100C>G (p.Ser367Trp)

Gene: UMOD (uromodulin; minus strand). Cytogenetic location: 16p12.3.
Variant type: single nucleotide variant.
Coding change: c.1100C>G on transcript NM_003361.4 (MANE Select); coding-DNA position 1100, C replaced by G.
Protein change: p.Ser367Trp; replaces serine 367 with tryptophan.
Molecular consequence: missense variant. On other transcripts: non-coding transcript variant (1).
Genome position (GRCh38, 1-based): chr16:20,346,208, G>C on the plus strand (C>G on the coding strand, the complement: UMOD is on the minus strand). VCF-style: chr16-20346208-G-C. GRCh37 (hg19) VCF-style: chr16-20357530-G-C.
Other names: c.1100C>G, p.Ser367Trp (NM_001008389.3, NM_001378232.1, NM_001378233.1 and 3 more transcripts); c.1199C>G, p.Ser400Trp (NM_001278614.2); short protein forms S367W, S400W.
Identifiers: ClinVar variation 1187494 (VCV001187494.3), dbSNP rs138178893, ClinGen allele CA394983349.